The following is an entry in ClinVar:

NM_000368.5(TSC1):c.364-13T>C

Gene: TSC1 (TSC complex subunit 1; minus strand). Cytogenetic location: 9q34.13.
Variant type: single nucleotide variant.
Coding change: c.364-13T>C on transcript NM_000368.5 (MANE Select); 13 bases into the intron before coding-DNA position 364, T replaced by C.
Molecular consequence: intron variant.
Genome position (GRCh38, 1-based): chr9:132,923,505, A>G on the plus strand (T>C on the coding strand, the complement: TSC1 is on the minus strand). VCF-style: chr9-132923505-A-G. GRCh37 (hg19) VCF-style: chr9-135798892-A-G.
Other names: c.1-13T>C (NM_001406620.1, NM_001406618.1, NM_001406625.1 and 10 more transcripts); c.211-13T>C (NM_001406613.1, NM_001406612.1, NM_001406610.1 and 2 more transcripts); c.-514-13T>C (NM_001406627.1, NM_001406628.1, NM_001406626.1); c.-656-13T>C (NM_001406629.1); c.364-13T>C (NM_001406603.1, NM_001406609.1, NM_001406597.1 and 16 more transcripts); c.-730-13T>C (NM_001406630.1).
Identifiers: ClinVar variation 3720142 (VCV003720142.3).

ClinVar aggregate classification (germline): Likely benign. Review status: criteria provided, multiple submitters, no conflicts (2 of 4 stars). 2 submissions from 2 submitters: Likely benign (2). Last evaluated 2025-04-08.

Conditions:
Tuberous sclerosis 1 (TSC1). Identifiers: Orphanet 805, MedGen C1854465, MONDO:0008612, OMIM 191100.

Submissions (2):

Myriad Genetics, Inc.
Classification: Likely benign for Tuberous sclerosis 1. Last evaluated: 2025-04-08. Review status: criteria provided, single submitter. Criteria: Myriad Autosomal Dominant, Autosomal Recessive and X-Linked Classification Criteria (2023). Collection method: clinical testing. Allele origin: unknown.
Comment: This variant is considered likely benign. This variant is intronic and is not expected to impact mRNA splicing.

Labcorp Genetics (formerly Invitae), Labcorp
Classification: Likely benign for Tuberous sclerosis 1. Last evaluated: 2025-02-07. Review status: criteria provided, single submitter. Criteria: Invitae Variant Classification Sherloc (09022015). Collection method: clinical testing. Allele origin: germline.